The following is an entry in ClinVar:

NM_032793.5(MFSD2A):c.805+2T>A

Gene: MFSD2A (MFSD2 lysolipid transporter A, lysophospholipid; plus strand). Cytogenetic location: 1p34.2.
Variant type: single nucleotide variant.
Coding change: c.805+2T>A on transcript NM_032793.5 (MANE Select); the canonical splice donor site of the intron after coding-DNA position 805, T replaced by A.
Molecular consequence: splice donor variant.
Genome position (GRCh38, 1-based): chr1:39,966,693, T>A. VCF-style: chr1-39966693-T-A. GRCh37 (hg19) VCF-style: chr1-40432365-T-A.
Other names: c.805+2T>A (NM_001349822.2); c.460+2T>A (NM_001349823.2); c.688+2T>A (NM_001287809.2); c.337+2T>A (NM_001287808.2); c.799+2T>A (NM_001349821.2); c.844+2T>A (NM_001136493.3).
Identifiers: ClinVar variation 2876490 (VCV002876490.3), dbSNP rs2522963760, ClinGen allele CA339836491.
Genomic context (GRCh38, chr1:39,966,693, plus strand): 5'-TGTCTGTATCTATATAATCTGTGCTGTCATCCTGATCCTGGGCGTGCGGGAGCAGAGAGG[T>A]AAGGGGGTGCCTGGGAAGGGGTGCAGGCCTCAGCATGGACAGCTGTATCTTTCTGCCTGG-3'

ClinVar aggregate classification (germline): Uncertain significance (1 of 4 stars; one submission).

Submission:

Labcorp Genetics (formerly Invitae), Labcorp
Classification: Uncertain significance. Last evaluated: 2023-06-21. Review status: criteria provided, single submitter. Criteria: Invitae Variant Classification Sherloc (09022015). Collection method: clinical testing. Allele origin: germline.
Comment: This sequence change affects a donor splice site in intron 7 of the MFSD2A gene. It is expected to disrupt RNA splicing. Variants that disrupt the donor or acceptor splice site typically lead to a loss of protein function (PMID: 16199547), however the current clinical and genetic evidence is not sufficient to establish whether loss-of-function variants in MFSD2A cause disease. This variant is not present in population databases (gnomAD no frequency). Disruption of this splice site has been observed in individual(s) with autosomal recessive microcephaly (Invitae). Algorithms developed to predict the effect of sequence changes on RNA splicing suggest that this variant may disrupt the consensus splice site. In summary, the available evidence is currently insufficient to determine the role of this variant in disease. Therefore, it has been classified as a Variant of Uncertain Significance.

Literature cited by the submitters: PubMed 16199547.